The following is an entry in ClinVar:

ClinVar aggregate classification (germline): Uncertain significance. Review status: criteria provided, multiple submitters, no conflicts (2 of 4 stars). 2 submissions from 2 submitters: Uncertain significance (2). Last evaluated 2025-08-13.

Conditions:
Dystonic disorder. Also called: Dystonia. Identifiers: MedGen C0013421, MONDO:0003441, HP:0001332.

Allele frequency attached by ClinVar (database versions not stated): gnomAD exomes below 0.00001; ExAC 0.00001.
gnomAD v4.1: 4 of 1,613,030 alleles (0.00025%); highest among the groups gnomAD compares: African/African-American, 0.0053%; no homozygotes.

Submissions (2):

Ambry Genetics
Classification: Uncertain significance. Last evaluated: 2025-08-13. Review status: criteria provided, single submitter. Criteria: Ambry Variant Classification Scheme 2023. Collection method: clinical testing. Allele origin: germline.

Labcorp Genetics (formerly Invitae), Labcorp
Classification: Uncertain significance for Dystonic disorder. Last evaluated: 2023-08-10. Review status: criteria provided, single submitter. Criteria: Invitae Variant Classification Sherloc (09022015). Collection method: clinical testing. Allele origin: germline.
Comment: In summary, the available evidence is currently insufficient to determine the role of this variant in disease. Therefore, it has been classified as a Variant of Uncertain Significance. An algorithm developed to predict the effect of missense changes on protein structure and function (PolyPhen-2) suggests that this variant is likely to be tolerated. This variant has not been reported in the literature in individuals affected with CIZ1-related conditions. This variant is not present in population databases (gnomAD no frequency). This sequence change replaces glutamine, which is neutral and polar, with glutamic acid, which is acidic and polar, at codon 410 of the CIZ1 protein (p.Gln410Glu).

NM_001131016.2(CIZ1):c.1228C>G (p.Gln410Glu)

Gene: CIZ1 (CDKN1A interacting zinc finger protein 1; minus strand). Cytogenetic location: 9q34.11.
Variant type: single nucleotide variant.
Coding change: c.1228C>G on transcript NM_001131016.2 (MANE Select); coding-DNA position 1228, C replaced by G.
Protein change: p.Gln410Glu; replaces glutamine 410 with glutamic acid.
Molecular consequence: missense variant. On other transcripts: intron variant (3).
Genome position (GRCh38, 1-based): chr9:128,178,979, G>C on the plus strand (C>G on the coding strand, the complement: CIZ1 is on the minus strand). VCF-style: chr9-128178979-G-C. GRCh37 (hg19) VCF-style: chr9-130941258-G-C.
Other names: c.1318C>G, p.Gln440Glu (NM_001257975.2); c.925C>G, p.Gln309Glu (NM_001257976.2); c.1228C>G, p.Gln410Glu (NM_012127.3); c.1135-75C>G (NM_001131015.2); c.1063-75C>G (NM_001131018.2); c.1120-75C>G (NM_001131017.2); c.1228C>G (NM_012127.2); short protein forms Q410E, Q309E, Q440E.
Identifiers: ClinVar variation 2715629 (VCV002715629.4), dbSNP rs769502179, ClinGen allele CA5257350.